The following is an entry in ClinVar:

ClinVar aggregate classification (germline): Pathogenic/Likely pathogenic. Review status: criteria provided, multiple submitters, no conflicts (2 of 4 stars). 2 submissions from 2 submitters: Pathogenic (1); Likely pathogenic (1). Last evaluated 2024-04-29.

Conditions:
Mucolipidosis type II. Also called: ML II ALPHA/BETA; Mucolipidosis 2; ML 2; Inclusion cell disease; Leroy Disease; N-acetylglucosamine 1phosphotransferase deficiency. Identifiers: Orphanet 576, MedGen C2673377, MONDO:0009650, OMIM 252500.
Pseudo-Hurler polydystrophy. Also called: ML III; ML III ALPHA/BETA; Type III Mucolipidosis; ML IIIA; Mucolipidosis III Alpha/Beta; MUCOLIPIDOSIS IIIA. Identifiers: Orphanet 423461, Orphanet 577, MedGen C0033788, MONDO:0018931, OMIM 252600.

Submissions (2):

Natera, Inc.
Classification: Likely pathogenic for Mucolipidosis type II. Last evaluated: 2024-04-29. Review status: criteria provided, single submitter. Criteria: Natera Variant Classification Schema (03/2026). Collection method: clinical testing. Allele origin: germline.
Comment: The c.1364C>T variant in GNPTAB is a missense variant predicted to cause substitution of alanine to valine at amino acid 455. This variant is rare in the general population with a frequency below the threshold expected for the associated phenotype(s). This variant has been observed in one or more individuals affected with the associated recessive disease, as either homozygous or compound heterozygous with a second variant (PMID: 35463894, 31934135). Additionally, this variant has been observed to segregate in affected family members (PMID: 31934135). Computational prediction algorithms indicate this variant is likely to affect gene or protein function. Given the available evidence, this variant is classified as Likely Pathogenic.

Labcorp Genetics (formerly Invitae), Labcorp
Classification: Pathogenic for Pseudo-Hurler polydystrophy; Mucolipidosis type II. Last evaluated: 2023-10-30. Review status: criteria provided, single submitter. Criteria: Invitae Variant Classification Sherloc (09022015). Collection method: clinical testing. Allele origin: germline.
Comment: This sequence change replaces alanine, which is neutral and non-polar, with valine, which is neutral and non-polar, at codon 455 of the GNPTAB protein (p.Ala455Val). This variant is not present in population databases (gnomAD no frequency). This missense change has been observed in individual(s) with clinical features of GNPTAB-related conditions (PMID: 31934135, 35463894). In at least one individual the data is consistent with being in trans (on the opposite chromosome) from a pathogenic variant. It has also been observed to segregate with disease in related individuals. Advanced modeling of protein sequence and biophysical properties (such as structural, functional, and spatial information, amino acid conservation, physicochemical variation, residue mobility, and thermodynamic stability) performed at Invitae indicates that this missense variant is expected to disrupt GNPTAB protein function with a positive predictive value of 80%. Algorithms developed to predict the effect of sequence changes on RNA splicing suggest that this variant may disrupt the consensus splice site. For these reasons, this variant has been classified as Pathogenic.

Literature cited by the submitters: PubMed 35463894 (cited by Natera, Inc. and Labcorp Genetics (formerly Invitae), Labcorp); PubMed 31934135 (cited by Natera, Inc. and Labcorp Genetics (formerly Invitae), Labcorp).

NM_024312.5(GNPTAB):c.1364C>T (p.Ala455Val)

Gene: GNPTAB (N-acetylglucosamine-1-phosphate transferase subunits alpha and beta; minus strand). Cytogenetic location: 12q23.2.
Variant type: single nucleotide variant.
Coding change: c.1364C>T on transcript NM_024312.5 (MANE Select); coding-DNA position 1364, C replaced by T.
Protein change: p.Ala455Val; replaces alanine 455 with valine.
Molecular consequence: missense variant.
Genome position (GRCh38, 1-based): chr12:101,768,081, G>A on the plus strand (C>T on the coding strand, the complement: GNPTAB is on the minus strand). VCF-style: chr12-101768081-G-A. GRCh37 (hg19) VCF-style: chr12-102161859-G-A.
Other names: c.1364C>T (NM_024312.4); short protein forms A455V.
Identifiers: ClinVar variation 2932723 (VCV002932723.4), dbSNP rs2547959753, ClinGen allele CA386301900.